The following is an entry in ClinVar:

ClinVar aggregate classification (germline): Uncertain significance (1 of 4 stars; one submission).

Allele frequency attached by ClinVar (database versions not stated): gnomAD exomes 0.00001; TOPMed 0.00001.
gnomAD v4.1: 14 of 1,613,952 alleles (0.00087%); highest among the groups gnomAD compares: Non-Finnish European, 0.0012%; no homozygotes.

Submission:

Labcorp Genetics (formerly Invitae), Labcorp
Classification: Uncertain significance. Last evaluated: 2025-08-18. Review status: criteria provided, single submitter. Criteria: Invitae Variant Classification Sherloc (09022015). Collection method: clinical testing. Allele origin: germline.
Comment: This sequence change replaces aspartic acid, which is acidic and polar, with glycine, which is neutral and non-polar, at codon 115 of the SGMS2 protein (p.Asp115Gly). This variant is present in population databases (no rsID available, gnomAD 0.0009%). This variant has not been reported in the literature in individuals affected with SGMS2-related conditions. ClinVar contains an entry for this variant (Variation ID: 3021202). Invitae Evidence Modeling of protein sequence and biophysical properties (such as structural, functional, and spatial information, amino acid conservation, physicochemical variation, residue mobility, and thermodynamic stability) indicates that this missense variant is expected to disrupt SGMS2 protein function with a positive predictive value of 80%. Algorithms developed to predict the effect of sequence changes on RNA splicing suggest that this variant may disrupt the consensus splice site. In summary, the available evidence is currently insufficient to determine the role of this variant in disease. Therefore, it has been classified as a Variant of Uncertain Significance.

NM_001375905.1(SGMS2):c.344A>G (p.Asp115Gly)

Genes: CYP2U1-AS1 (CYP2U1 and SGMS2 antisense RNA 1; minus strand), SGMS2 (sphingomyelin synthase 2; plus strand). Cytogenetic location: 4q25.
Variant type: single nucleotide variant.
Coding change: c.344A>G on transcript NM_001375905.1 (MANE Select); coding-DNA position 344, A replaced by G.
Protein change: p.Asp115Gly; replaces aspartic acid 115 with glycine.
Molecular consequence: missense variant. On other transcripts: intron variant (1).
Genome position (GRCh38, 1-based): chr4:107,895,897, A>G. VCF-style: chr4-107895897-A-G. GRCh37 (hg19) VCF-style: chr4-108817053-A-G.
Other names: c.344A>G, p.Asp115Gly (NM_001136257.2, NM_001136258.2, NM_001375906.1 and 4 more transcripts); c.-64-3678A>G (NM_001375911.1); short protein forms D115G.
Identifiers: ClinVar variation 3021202 (VCV003021202.3), dbSNP rs1224977124, ClinGen allele CA357835450.